The following is an entry in ClinVar:

NM_001360016.2(G6PD):c.946G>A (p.Gly316Ser)

Gene: G6PD (glucose-6-phosphate dehydrogenase; minus strand). Cytogenetic location: Xq28.
Variant type: single nucleotide variant.
Coding change: c.946G>A on transcript NM_001360016.2 (MANE Select); coding-DNA position 946, G replaced by A.
Protein change: p.Gly316Ser; replaces glycine 316 with serine.
Molecular consequence: missense variant.
Genome position (GRCh38, 1-based): chrX:154,533,047, C>T on the plus strand (G>A on the coding strand, the complement: G6PD is on the minus strand). VCF-style: chrX-154533047-C-T. GRCh37 (hg19) VCF-style: chrX-153761262-C-T.
Other names: c.1036G>A, p.Gly346Ser (NM_000402.4); c.946G>A, p.Gly316Ser (NM_001042351.3); short protein forms G316S, G346S.
Identifiers: ClinVar variation 3339508 (VCV003339508.1).

ClinVar aggregate classification (germline): Likely pathogenic (1 of 4 stars; one submission).

Conditions:
Anemia, nonspherocytic hemolytic, due to G6PD deficiency (CNSHA1). Also called: Hemolytic anemia due to G6PD deficiency; Class I glucose-6-phosphate dehydrogenase deficiency; Favism, susceptibility to; ANEMIA, CONGENITAL, NONSPHEROCYTIC HEMOLYTIC, 1. Identifiers: Orphanet 466026, MedGen C2720289, MONDO:0010480, OMIM 300908.

gnomAD v4.1: 1 of 1,212,382 alleles (0.000082%); highest among the groups gnomAD compares: Non-Finnish European, 0.00011%; no homozygotes.

Submission:

Dunham Lab, University of Washington
Classification: Likely pathogenic for Anemia, nonspherocytic hemolytic, due to G6PD deficiency. Last evaluated: 2024-09-01. Review status: criteria provided, single submitter. Criteria: ACMG Guidelines, 2015. Collection method: curation. Allele origin: unknown. Affected: yes.
Comment: Decreased activity reported in RBCs (44%) (PS3). Reported in patients with deficiency (PP4). Not found in gnomAD (PM2). Post_P 0.949 (odds of pathogenicity 168.4, Prior_P 0.1).

Literature cited by the submitters: PubMed 36949502.